The following is an entry in ClinVar:

ClinVar aggregate classification (germline): Uncertain significance. Review status: criteria provided, multiple submitters, no conflicts (2 of 4 stars). 3 submissions from 3 submitters: Uncertain significance (3). Last evaluated 2022-04-28.

Conditions:
Hereditary cancer-predisposing syndrome. Also called: Neoplastic Syndromes, Hereditary; Tumor predisposition; Hereditary neoplastic syndrome; Hereditary Cancer Syndrome. Identifiers: Orphanet 140162, MedGen C0027672, MeSH D009386, MONDO:0015356.
BAP1-related tumor predisposition syndrome (TPDS1). Also called: COMMON Syndrome; Tumor susceptibility linked to germline BAP1 mutations; TUMOR PREDISPOSITION SYNDROME 1; BAP1 tumor predisposition syndrome. Identifiers: Orphanet 289539, MedGen C3280492, MONDO:0013692, OMIM 614327.

Submissions (3):

Labcorp Genetics (formerly Invitae), Labcorp
Classification: Uncertain significance for BAP1-related tumor predisposition syndrome. Last evaluated: 2022-04-28. Review status: criteria provided, single submitter. Criteria: Invitae Variant Classification Sherloc (09022015). Collection method: clinical testing. Allele origin: germline.
Comment: In summary, the available evidence is currently insufficient to determine the role of this variant in disease. Therefore, it has been classified as a Variant of Uncertain Significance. RNA analysis performed to evaluate the impact of this missense change on mRNA splicing indicates it does not significantly alter splicing (Invitae). Algorithms developed to predict the effect of missense changes on protein structure and function (SIFT, PolyPhen-2, Align-GVGD) all suggest that this variant is likely to be tolerated. This variant has not been reported in the literature in individuals affected with BAP1-related conditions. This variant is not present in population databases (gnomAD no frequency). This sequence change replaces asparagine, which is neutral and polar, with serine, which is neutral and polar, at codon 2 of the BAP1 protein (p.Asn2Ser).

GeneDx
Classification: Uncertain significance. Last evaluated: 2022-03-30. Review status: criteria provided, single submitter. Criteria: GeneDx Variant Classification Process June 2021. Collection method: clinical testing. Allele origin: germline. Affected: yes.
Comment: Not observed at significant frequency in large population cohorts (gnomAD); In silico analysis supports that this missense variant does not alter protein structure/function; Has not been previously published as pathogenic or benign to our knowledge

Ambry Genetics
Classification: Uncertain significance for Hereditary cancer-predisposing syndrome. Last evaluated: 2020-03-19. Review status: criteria provided, single submitter. Criteria: Ambry Variant Classification Scheme 2023. Collection method: clinical testing. Allele origin: germline.
Comment: The p.N2S variant (also known as c.5A>G), located in coding exon 1 of the BAP1 gene, results from an A to G substitution at nucleotide position 5. The asparagine at codon 2 is replaced by serine, an amino acid with highly similar properties. This amino acid position is highly conserved in available vertebrate species. In addition, this alteration is predicted to be tolerated by in silico analysis. Since supporting evidence is limited at this time, the clinical significance of this alteration remains unclear.

NM_004656.4(BAP1):c.5A>G (p.Asn2Ser)

Gene: BAP1 (BRCA1 associated deubiquitinase 1; minus strand). Cytogenetic location: 3p21.1.
Variant type: single nucleotide variant.
Coding change: c.5A>G on transcript NM_004656.4 (MANE Select); coding-DNA position 5, A replaced by G.
Protein change: p.Asn2Ser; replaces asparagine 2 with serine.
Molecular consequence: missense variant.
Genome position (GRCh38, 1-based): chr3:52,409,874, T>C on the plus strand (A>G on the coding strand, the complement: BAP1 is on the minus strand). VCF-style: chr3-52409874-T-C. GRCh37 (hg19) VCF-style: chr3-52443890-T-C.
Other names: c.5A>G (NM_004656.2); short protein forms N2S.
Identifiers: ClinVar variation 1353890 (VCV001353890.9), dbSNP rs2153228692, ClinGen allele CA353115172.
Genomic context (GRCh38, chr3:52,409,874, plus strand): 5'-CCCCTGGCCCTCCCGGTCCCCTCCTCACCTGGGTCGCTCTCCAGCTCCAGCCAGCCCTTA[T>C]TCATCTTCCCGCGGGGCGGCCCCTCAGCGCCATGTCCAGGCCCTCCCTCCCCACCGCTGC-3'
Protein context (NP_004647.1, residues 1-12): M[Asn2Ser]KGWLELESDP